The following is an entry in ClinVar:

ClinVar aggregate classification (germline): Uncertain significance. Review status: criteria provided, multiple submitters, no conflicts (2 of 4 stars). 2 submissions from 2 submitters: Uncertain significance (2). Last evaluated 2023-11-02.

Conditions:
Cardiovascular phenotype. Identifiers: MedGen CN230736.

Allele frequency attached by ClinVar (database versions not stated): gnomAD exomes below 0.00001; TOPMed 0.00001; gnomAD 0.00002.
gnomAD v4.1: 10 of 1,613,934 alleles (0.00062%); highest among the groups gnomAD compares: Non-Finnish European, 0.00085%; no homozygotes.

Submissions (2):

Labcorp Genetics (formerly Invitae), Labcorp
Classification: Uncertain significance. Last evaluated: 2023-11-02. Review status: criteria provided, single submitter. Criteria: Invitae Variant Classification Sherloc (09022015). Collection method: clinical testing. Allele origin: germline.
Comment: This sequence change replaces methionine, which is neutral and non-polar, with valine, which is neutral and non-polar, at codon 922 of the ALPK3 protein (p.Met922Val). This variant is present in population databases (rs142214001, gnomAD 0.0009%). This variant has not been reported in the literature in individuals affected with ALPK3-related conditions. ClinVar contains an entry for this variant (Variation ID: 1405234). Advanced modeling of protein sequence and biophysical properties (such as structural, functional, and spatial information, amino acid conservation, physicochemical variation, residue mobility, and thermodynamic stability) performed at Invitae indicates that this missense variant is not expected to disrupt ALPK3 protein function with a negative predictive value of 80%. In summary, the available evidence is currently insufficient to determine the role of this variant in disease. Therefore, it has been classified as a Variant of Uncertain Significance.

Ambry Genetics
Classification: Uncertain significance for Cardiovascular phenotype. Last evaluated: 2023-09-23. Review status: criteria provided, single submitter. Criteria: Ambry Variant Classification Scheme 2023. Collection method: clinical testing. Allele origin: germline.
Comment: The p.M922V variant (also known as c.2764A>G), located in coding exon 6 of the ALPK3 gene, results from an A to G substitution at nucleotide position 2764. The methionine at codon 922 is replaced by valine, an amino acid with highly similar properties. This amino acid position is conserved. In addition, this alteration is predicted to be tolerated by in silico analysis. Since supporting evidence is limited at this time, the clinical significance of this alteration remains unclear.

NM_020778.5(ALPK3):c.2158A>G (p.Met720Val)

Gene: ALPK3 (alpha kinase 3; plus strand). Cytogenetic location: 15q25.3.
Variant type: single nucleotide variant.
Coding change: c.2158A>G on transcript NM_020778.5 (MANE Select); coding-DNA position 2158, A replaced by G.
Protein change: p.Met720Val; replaces methionine 720 with valine.
Molecular consequence: missense variant.
Genome position (GRCh38, 1-based): chr15:84,856,896, A>G. VCF-style: chr15-84856896-A-G. GRCh37 (hg19) VCF-style: chr15-85400127-A-G.
Other names: c.2764A>G (NM_020778.4); short protein forms M720V.
Identifiers: ClinVar variation 1405234 (VCV001405234.7), dbSNP rs142214001, ClinGen allele CA7709352.
Genomic context (GRCh38, chr15:84,856,896, plus strand): 5'-GGAGAGAAGGGGATGCAGGGAGAGAAGGGGACGCAGTCAGAGGGGAGCGCGCCCACAGCC[A>G]TGGAAGGTCAGTCTGAGCAAGAGGTGGCAACCAGCCTCGGCCCACCATCCAGAACCCCCA-3'
Protein context (NP_065829.4, residues 710-730): TQSEGSAPTA[Met720Val]EGQSEQEVAT